The following is an entry in ClinVar:

ClinVar aggregate classification (germline): Uncertain significance. Review status: criteria provided, multiple submitters, no conflicts (2 of 4 stars). 2 submissions from 2 submitters: Uncertain significance (2). Last evaluated 2025-08-06.

Conditions:
Idiopathic generalized epilepsy. Also called: Generalised epilepsy; EIG. Identifiers: MedGen C0270850, MONDO:0005579, OMIM 600669.
Hyperaldosteronism, familial, type IV (HALD4). Also called: FH IV; ALDOSTERONISM, PRIMARY, AND HYPERTENSION. Identifiers: Orphanet 642671, MedGen C4310756, MONDO:0014875, OMIM 617027.
Epilepsy, childhood absence, susceptibility to, 6. Identifiers: Orphanet 64280, MedGen C2749872, MONDO:0012763, OMIM 611942.

Allele frequency attached by ClinVar (database versions not stated): ExAC 0.00002; gnomAD 0.00002; gnomAD exomes 0.00002; TOPMed 0.00004; ESP Exome Variant Server 0.00008.
gnomAD v4.1: 52 of 1,611,564 alleles (0.0032%); highest among the groups gnomAD compares: Non-Finnish European, 0.0041%; no homozygotes.

Submissions (2):

Labcorp Genetics (formerly Invitae), Labcorp
Classification: Uncertain significance for Idiopathic generalized epilepsy; Hyperaldosteronism, familial, type IV. Last evaluated: 2025-08-06. Review status: criteria provided, single submitter. Criteria: Invitae Variant Classification Sherloc (09022015). Collection method: clinical testing. Allele origin: germline.
Comment: This sequence change replaces glycine, which is neutral and non-polar, with serine, which is neutral and polar, at codon 1321 of the CACNA1H protein (p.Gly1321Ser). This variant is present in population databases (rs368825972, gnomAD 0.007%). This missense change has been observed in individual(s) with hemiplegic migraine (PMID: 36786913). ClinVar contains an entry for this variant (Variation ID: 1440232). Invitae Evidence Modeling of protein sequence and biophysical properties (such as structural, functional, and spatial information, amino acid conservation, physicochemical variation, residue mobility, and thermodynamic stability) indicates that this missense variant is not expected to disrupt CACNA1H protein function with a negative predictive value of 80%. In summary, the available evidence is currently insufficient to determine the role of this variant in disease. Therefore, it has been classified as a Variant of Uncertain Significance.

Fulgent Genetics
Classification: Uncertain significance for Epilepsy, childhood absence, susceptibility to, 6; Hyperaldosteronism, familial, type IV. Last evaluated: 2024-03-25. Review status: criteria provided, single submitter. Criteria: ACMG Guidelines, 2015. Collection method: clinical testing. Allele origin: germline.

Literature cited by the submitters: PubMed 36786913 (cited by Labcorp Genetics (formerly Invitae), Labcorp).

NM_021098.3(CACNA1H):c.3961G>A (p.Gly1321Ser)

Gene: CACNA1H (calcium voltage-gated channel subunit alpha1 H; plus strand). Cytogenetic location: 16p13.3.
Variant type: single nucleotide variant.
Coding change: c.3961G>A on transcript NM_021098.3 (MANE Select); coding-DNA position 3961, G replaced by A.
Protein change: p.Gly1321Ser; replaces glycine 1321 with serine.
Molecular consequence: missense variant.
Genome position (GRCh38, 1-based): chr16:1,210,485, G>A. VCF-style: chr16-1210485-G-A. GRCh37 (hg19) VCF-style: chr16-1260485-G-A.
Other names: c.3961G>A, p.Gly1321Ser (NM_001005407.2); short protein forms G1321S.
Identifiers: ClinVar variation 1440232 (VCV001440232.9), dbSNP rs368825972, ClinGen allele CA7801032.